The following is an entry in ClinVar:

ClinVar aggregate classification (germline): Uncertain significance. Review status: criteria provided, single submitter (1 of 4 stars). 2 submissions from 2 submitters: Uncertain significance (1). 1 of the submissions does not count toward it. Last evaluated 2025-08-22.

Conditions:
KIAA0825-related disorder. Also called: KIAA0825-related condition.

Allele frequency attached by ClinVar (database versions not stated): gnomAD 0.00177; 1000 Genomes Project 0.00180; 1000 Genomes Project 30x 0.00187; TOPMed 0.00209; ESP Exome Variant Server 0.00246; gnomAD exomes 0.00018; ExAC 0.00066.
gnomAD v4.1: 538 of 1,585,918 alleles (0.034%); highest among the groups gnomAD compares: African/African-American, 0.65%; 3 homozygotes.

Submissions (2):

Ambry Genetics
Classification: Uncertain significance. Last evaluated: 2025-08-22. Review status: criteria provided, single submitter. Criteria: Ambry Variant Classification Scheme 2023. Collection method: clinical testing. Allele origin: germline.

PreventionGenetics, part of Exact Sciences
Classification: Benign for KIAA0825-related condition. Last evaluated: 2020-02-04. Review status: no assertion criteria provided. Collection method: clinical testing. Allele origin: germline. Not counted in ClinVar's aggregate classification.
Comment: This variant is classified as benign based on ACMG/AMP sequence variant interpretation guidelines (Richards et al. 2015 PMID: 25741868, with internal and published modifications).

NM_001145678.3(KIAA0825):c.969G>T (p.Leu323Phe)

Gene: KIAA0825 (KIAA0825; minus strand). Cytogenetic location: 5q15.
Variant type: single nucleotide variant.
Coding change: c.969G>T on transcript NM_001145678.3 (MANE Select); coding-DNA position 969, G replaced by T.
Protein change: p.Leu323Phe; replaces leucine 323 with phenylalanine.
Molecular consequence: missense variant. On other transcripts: non-coding transcript variant (4).
Genome position (GRCh38, 1-based): chr5:94,520,249, C>A on the plus strand (G>T on the coding strand, the complement: KIAA0825 is on the minus strand). VCF-style: chr5-94520249-C-A. GRCh37 (hg19) VCF-style: chr5-93855954-C-A.
Other names: c.969G>T, p.Leu323Phe (NM_001385712.1, NM_001385713.1, NM_001385714.1 and 13 more transcripts); c.858G>T, p.Leu286Phe (NM_001385724.1); short protein forms L286F, L323F.
Identifiers: ClinVar variation 3050864 (VCV003050864.3), dbSNP rs149370841, ClinGen allele CA3344199.
Genomic context (GRCh38, chr5:94,520,249, plus strand): 5'-AAATTAAACATATTAAAAGACTTAAGTTAAACCAAACAAAAATTTTAAATGTCACTAACC[C>A]AAAGCATGCACTGCTCCTCTATGCTTGCTGGAGCTCTTGCTTGTTTTAACCACACGAACA-3'
Protein context (NP_001139150.1, residues 313-333): SSKHRGAVHA[Leu323Phe]VTTECPQKGR